The following is an entry in ClinVar:

NM_000532.5(PCCB):c.1555C>G (p.Leu519Val)

Gene: PCCB (propionyl-CoA carboxylase subunit beta; plus strand). Cytogenetic location: 3q22.3.
Variant type: single nucleotide variant.
Coding change: c.1555C>G on transcript NM_000532.5 (MANE Select); coding-DNA position 1555, C replaced by G.
Protein change: p.Leu519Val; replaces leucine 519 with valine.
Molecular consequence: missense variant.
Genome position (GRCh38, 1-based): chr3:136,329,961, C>G. VCF-style: chr3-136329961-C-G. GRCh37 (hg19) VCF-style: chr3-136048803-C-G.
Other names: c.1615C>G, p.Leu539Val (NM_001178014.2); short protein forms L519V, L539V.
Identifiers: ClinVar variation 1015018 (VCV001015018.2), dbSNP rs1935481576, ClinGen allele CA354650119.

ClinVar aggregate classification (germline): Uncertain significance (1 of 4 stars; one submission).

Conditions:
Propionic acidemia (PROP). Also called: GLYCINEMIA, KETOTIC; HYPERGLYCINEMIA WITH KETOACIDOSIS AND LEUKOPENIA; KETOTIC HYPERGLYCINEMIA. Identifiers: Orphanet 35, MedGen C0268579, MONDO:0011628, OMIM 606054, HP:0003571.

Submission:

Labcorp Genetics (formerly Invitae), Labcorp
Classification: Uncertain significance for Propionic acidemia. Last evaluated: 2021-08-31. Review status: criteria provided, single submitter. Criteria: Invitae Variant Classification Sherloc (09022015). Collection method: clinical testing. Allele origin: germline.
Comment: This sequence change replaces leucine with valine at codon 519 of the PCCB protein (p.Leu519Val). The leucine residue is highly conserved and there is a small physicochemical difference between leucine and valine. This variant is not present in population databases (ExAC no frequency). This variant has not been reported in the literature in individuals affected with PCCB-related conditions. Algorithms developed to predict the effect of missense changes on protein structure and function (SIFT, PolyPhen-2, Align-GVGD) all suggest that this variant is likely to be disruptive. In summary, the available evidence is currently insufficient to determine the role of this variant in disease. Therefore, it has been classified as a Variant of Uncertain Significance.